The following is an entry in ClinVar:

NM_024642.5(GALNT12):c.899C>A (p.Ser300Tyr)

Gene: GALNT12 (polypeptide N-acetylgalactosaminyltransferase 12; plus strand). Cytogenetic location: 9q22.33.
Variant type: single nucleotide variant.
Coding change: c.899C>A on transcript NM_024642.5 (MANE Select); coding-DNA position 899, C replaced by A.
Protein change: p.Ser300Tyr; replaces serine 300 with tyrosine.
Molecular consequence: missense variant.
Genome position (GRCh38, 1-based): chr9:98,831,939, C>A. VCF-style: chr9-98831939-C-A. GRCh37 (hg19) VCF-style: chr9-101594221-C-A.
Other names: short protein forms S300Y.
Identifiers: ClinVar variation 4533149 (VCV004533149.1).
Genomic context (GRCh38, chr9:98,831,939, plus strand): 5'-ACTGGAGGCTGGTGTTCACGTGGCACACAGTTCCTGAGAGGGAGAGGATACGGATGCAAT[C>A]CCCCGTCGATGTCATCAGGTCAGGAGCTGACTTCTGGGTGACTTGTTTTTTAAGCATGCC-3'
Protein context (NP_078918.3, residues 290-310): VPERERIRMQ[Ser300Tyr]PVDVIRSPTM

ClinVar aggregate classification (germline): Uncertain significance (1 of 4 stars; one submission).

Submission:

Quest Diagnostics Nichols Institute San Juan Capistrano
Classification: Uncertain significance. Last evaluated: 2025-11-04. Review status: criteria provided, single submitter. Criteria: Quest Diagnostics criteria. Collection method: clinical testing. Allele origin: unknown.
Comment: The GALNT12 c.899C>A (p.Ser300Tyr) variant has not been reported in individuals with GALNT12-related conditions in the published literature. This variant also has not been reported in large, multi-ethnic general populations (Genome Aggregation Database). Analysis of this variant using bioinformatics tools for the prediction of the effect of amino acid changes on protein structure and function yielded predictions that this variant is damaging. Based on the available information, we are unable to determine the clinical significance of this variant.